The following is an entry in ClinVar:

ClinVar aggregate classification (germline): Pathogenic (1 of 4 stars; one submission).

Submission:

Labcorp Genetics (formerly Invitae), Labcorp
Classification: Pathogenic. Last evaluated: 2025-10-02. Review status: criteria provided, single submitter. Criteria: Invitae Variant Classification Sherloc (09022015). Collection method: clinical testing. Allele origin: germline.
Comment: This sequence change creates a premature translational stop signal (p.Ser994Argfs*93) in the COL18A1 gene. It is expected to result in an absent or disrupted protein product. Loss-of-function variants in COL18A1 are known to be pathogenic (PMID: 12415512, 25456301). This variant is present in population databases (rs762697655, gnomAD 0.009%). This variant has not been reported in the literature in individuals affected with COL18A1-related conditions. ClinVar contains an entry for this variant (Variation ID: 1452871). For these reasons, this variant has been classified as Pathogenic.

Literature cited by the submitters: PubMed 12415512; PubMed 25456301.

NM_001379500.1(COL18A1):c.2978_2987dup (p.Ser997fs)

Genes: COL18A1 (collagen type XVIII alpha 1 chain; plus strand), SLC19A1 (solute carrier family 19 member 1; minus strand). Cytogenetic location: 21q22.3.
Variant type: Duplication.
Coding change: c.2978_2987dup on transcript NM_001379500.1 (MANE Select); coding-DNA positions 2978 to 2987, 10 bases duplicated (CAGGGCCCCC; older notation c.2978_2987dupCAGGGCCCCC).
Protein change: p.Ser997fs; shifts the reading frame from serine 997.
Molecular consequence: frameshift variant.
Genome position (GRCh38, 1-based): chr21:45,505,243-45,505,252, CAGGGCCCCC duplicated; duplicating any 10 consecutive bases within chr21:45,505,236-45,505,252 gives the same sequence; the c. name uses the placement nearest the transcript's 3' end. VCF-style (leftmost placement, unchanged base first): chr21-45505235-A-AGGCCCCCCAG. GRCh37 (hg19) VCF-style: chr21-46925149-A-AGGCCCCCCAG.
Other names: c.3509_3518dup, p.Ser1174fs (NM_030582.4); c.4214_4223dup, p.Ser1409fs (NM_130444.3); short protein forms S1409fs, S997fs, S1174fs.
Identifiers: ClinVar variation 1452871 (VCV001452871.6), dbSNP rs756797124, ClinGen allele CA10067584.
Genomic context (GRCh38, chr21:45,505,235, plus strand): 5'-TGGACCTCAGGGACCCCCCGGCATCGGCTACGAGGGGCGCCAGGGCCCTCCCGGCCCCCC[A>AGGCCCCCCAG]GGCCCCCCAGGGCCCCCTTCATTTCCTGGCCCTCACAGGCAGAGTAAGTCAGTGGGGAGT-3'